The following is an entry in ClinVar:

NM_001037333.3(CYFIP2):c.2026T>G (p.Tyr676Asp)

Gene: CYFIP2 (cytoplasmic FMR1 interacting protein 2; plus strand). Cytogenetic location: 5q33.3.
Variant type: single nucleotide variant.
Coding change: c.2026T>G on transcript NM_001037333.3 (MANE Select); coding-DNA position 2026, T replaced by G.
Protein change: p.Tyr676Asp; replaces tyrosine 676 with aspartic acid.
Molecular consequence: missense variant.
Genome position (GRCh38, 1-based): chr5:157,326,214, T>G. VCF-style: chr5-157326214-T-G. GRCh37 (hg19) VCF-style: chr5-156753222-T-G.
Other names: c.1948T>G, p.Tyr650Asp (NM_001291721.2); c.2101T>G, p.Tyr701Asp (NM_001291722.2); c.2026T>G, p.Tyr676Asp (NM_014376.4); short protein forms Y650D, Y676D, Y701D.
Identifiers: ClinVar variation 2430945 (VCV002430945.2), dbSNP rs2532422561, ClinGen allele CA361970518.

ClinVar aggregate classification (germline): Uncertain significance (1 of 4 stars; one submission).

Submission:

GeneDx
Classification: Uncertain significance. Last evaluated: 2025-07-25. Review status: criteria provided, single submitter. Criteria: GeneDx Variant Classification Process June 2021. Collection method: clinical testing. Allele origin: germline.
Comment: Not observed at significant frequency in large population cohorts (gnomAD); In silico analysis supports that this missense variant has a deleterious effect on protein structure/function; Has not been previously published as pathogenic or benign to our knowledge